The following is an entry in ClinVar:

ClinVar aggregate classification (germline): Uncertain significance (1 of 4 stars; one submission).

Conditions:
Dehydrated hereditary stomatocytosis with or without pseudohyperkalemia and/or perinatal edema (DHS1). Also called: PSEUDOHYPERKALEMIA EDINBURGH; DEHYDRATED HEREDITARY STOMATOCYTOSIS AND PSEUDOHYPERKALEMIA; DEHYDRATED HEREDITARY STOMATOCYTOSIS WITH PSEUDOHYPERKALEMIA AND PERINATAL EDEMA; Pseudohyperkalemia, familial, 1, due to red cell leak; Dehydrated hereditary stomatocytosis 1 with or without pseudohyperkalemia and/or perinatal edema. Identifiers: Orphanet 3202, MedGen C4551512, MONDO:0008689, OMIM 194380.

Submission:

Neuberg Centre For Genomic Medicine, NCGM
Classification: Uncertain significance for Dehydrated hereditary stomatocytosis with or without pseudohyperkalemia and/or perinatal edema. Review status: criteria provided, single submitter. Criteria: ACMG Guidelines, 2015. Collection method: clinical testing. Allele origin: germline. Inheritance: Autosomal dominant inheritance. Affected: yes.
Comment: The missense variant in c.4241A>G in PIEZO1 gene has not been reported previously as a pathogenic variant nor as a benign variant, to our knowledge. The p.His1414Arg variant is novel (not in any individuals) in gnomAD Exomes and 1000 Genomes. The amino acid His at position 1414 is changed to a Arg changing protein sequence and it might alter its composition and physico-chemical properties. The variant is predicted to be damaging by PolyPhen2 and the residue is conserved across species. The amino acid change p.His1414Arg in PIEZO1 is predicted as conserved by GERP++ and PhyloP across 100 vertebrates. For these reasons, this variant has been classified as Uncertain Significance (VUS).

NM_001142864.4(PIEZO1):c.4241A>G (p.His1414Arg)

Gene: PIEZO1 (piezo type mechanosensitive ion channel component 1 (Er blood group); minus strand). Cytogenetic location: 16q24.3.
Variant type: single nucleotide variant.
Coding change: c.4241A>G on transcript NM_001142864.4 (MANE Select); coding-DNA position 4241, A replaced by G.
Protein change: p.His1414Arg; replaces histidine 1414 with arginine.
Molecular consequence: missense variant.
Genome position (GRCh38, 1-based): chr16:88,723,965, T>C on the plus strand (A>G on the coding strand, the complement: PIEZO1 is on the minus strand). VCF-style: chr16-88723965-T-C. GRCh37 (hg19) VCF-style: chr16-88790373-T-C.
Other names: c.2783A>G, p.His928Arg (NM_014745.1); short protein forms H1414R, H928R.
Identifiers: ClinVar variation 2585410 (VCV002585410.1), dbSNP rs1904305098, ClinGen allele CA397098850.